The following is an entry in ClinVar:

NM_031263.4(HNRNPK):c.673T>C (p.Tyr225His)

Genes: HNRNPK (heterogeneous nuclear ribonucleoprotein K; minus strand), HNRNPK-AS1 (HNRNPK antisense RNA 1; plus strand). Cytogenetic location: 9q21.32.
Variant type: single nucleotide variant.
Coding change: c.673T>C on transcript NM_031263.4 (MANE Select); coding-DNA position 673, T replaced by C.
Protein change: p.Tyr225His; replaces tyrosine 225 with histidine.
Molecular consequence: missense variant.
Genome position (GRCh38, 1-based): chr9:83,972,162, A>G on the plus strand (T>C on the coding strand, the complement: HNRNPK is on the minus strand). VCF-style: chr9-83972162-A-G. GRCh37 (hg19) VCF-style: chr9-86587077-A-G.
Other names: c.601T>C, p.Tyr201His (NM_001318186.2, NM_001318187.2); c.673T>C, p.Tyr225His (NM_001318188.2, NM_002140.5, NM_031262.4); short protein forms Y201H, Y225H.
Identifiers: ClinVar variation 818201 (VCV000818201.45), dbSNP rs1588417800, ClinGen allele CA373925141.

ClinVar aggregate classification (germline): Pathogenic/Likely pathogenic. Review status: criteria provided, multiple submitters, no conflicts (2 of 4 stars). 3 submissions from 3 submitters: Pathogenic (1); Likely pathogenic (2). Last evaluated 2022-05-27.

Conditions:
Au-Kline syndrome. Also called: Neurodevelopmental disorder-craniofacial dysmorphism-cardiac defect-hip dysplasia syndrome due to a point mutation; Okamoto syndrome. Identifiers: Orphanet 2729, Orphanet 453499, Orphanet 453504, MedGen C4225274, MONDO:0014700, OMIM 616580.

Submissions (3):

Clinical Genetics Laboratory, Skane University Hospital Lund
Classification: Likely pathogenic. Last evaluated: 2022-05-27. Review status: criteria provided, single submitter. Criteria: ACMG Guidelines, 2015. Collection method: clinical testing. Allele origin: germline. Affected: yes.

CeGaT Center for Human Genetics Tuebingen
Classification: Likely pathogenic. Last evaluated: 2020-06-01. Review status: criteria provided, single submitter. Criteria: CeGaT Center For Human Genetics Tuebingen Variant Classification Criteria Version 2. Collection method: clinical testing. Allele origin: germline. Affected: yes. Observed: 3 variant alleles.

NYU Undiagnosed Diseases Program, NYU School of Medicine
Classification: Pathogenic for Au-Kline syndrome. Last evaluated: 2019-12-30. Review status: criteria provided, single submitter. Criteria: ACMG Guidelines, 2015. Collection method: research. Allele origin: de novo. Affected: yes. Observed: 1 heterozygote.
Comment: This de novo mutation causes a missense change of Tyr225His (NP_112553.1). It is absent from the Genome Aggregation Database (gnomAD), and multiple In silico algorithms predict this variant to be deleterious and damaging to protein structure and/or function.